The following is an entry in ClinVar:

ClinVar aggregate classification (germline): Uncertain significance (1 of 4 stars; one submission).

gnomAD v4.1: 1 of 1,613,916 alleles (0.000062%); highest among the groups gnomAD compares: Admixed American, 0.0017%; no homozygotes.

Submission:

Labcorp Genetics (formerly Invitae), Labcorp
Classification: Uncertain significance. Last evaluated: 2024-05-09. Review status: criteria provided, single submitter. Criteria: Invitae Variant Classification Sherloc (09022015). Collection method: clinical testing. Allele origin: germline.
Comment: This sequence change replaces serine, which is neutral and polar, with arginine, which is basic and polar, at codon 526 of the RFX7 protein (p.Ser526Arg). This variant is not present in population databases (gnomAD no frequency). This variant has not been reported in the literature in individuals affected with RFX7-related conditions. Experimental studies and prediction algorithms are not available or were not evaluated, and the functional significance of this variant is currently unknown. In summary, the available evidence is currently insufficient to determine the role of this variant in disease. Therefore, it has been classified as a Variant of Uncertain Significance.

NM_022841.7(RFX7):c.1578C>A (p.Ser526Arg)

Gene: RFX7 (regulatory factor X7; minus strand). Cytogenetic location: 15q21.3.
Variant type: single nucleotide variant.
Coding change: c.1578C>A on transcript NM_022841.7 (MANE Select); coding-DNA position 1578, C replaced by A.
Protein change: p.Ser526Arg; replaces serine 526 with arginine.
Molecular consequence: missense variant.
Genome position (GRCh38, 1-based): chr15:56,096,150, G>T on the plus strand (C>A on the coding strand, the complement: RFX7 is on the minus strand). VCF-style: chr15-56096150-G-T. GRCh37 (hg19) VCF-style: chr15-56388348-G-T.
Other names: c.1287C>A, p.Ser429Arg (NM_001368073.2, NM_001368074.1, NM_001370554.1); c.1578C>A, p.Ser526Arg (NM_001370561.1); short protein forms S429R, S526R.
Identifiers: ClinVar variation 3682147 (VCV003682147.2).
Genomic context (GRCh38, chr15:56,096,150, plus strand): 5'-ATCTGATGATGTTTCGGGTTCCACTTTGACTTCCACAGCAGATGTTCCCCCCGCACTGCT[G>T]CTCCTGGACCCAGGAGACTGAAGCGACACGACAGAACCATTCTTGATCTGTGGAACACTC-3'
Protein context (NP_073752.6, residues 516-536): VVSLQSPGSR[Ser526Arg]SSAGGTSAVE